The following is an entry in ClinVar:

NM_000135.4(FANCA):c.620G>C (p.Gly207Ala)

Gene: FANCA (FA complementation group A; minus strand). Cytogenetic location: 16q24.3.
Variant type: single nucleotide variant.
Coding change: c.620G>C on transcript NM_000135.4 (MANE Select); coding-DNA position 620, G replaced by C.
Protein change: p.Gly207Ala; replaces glycine 207 with alanine.
Molecular consequence: missense variant.
Genome position (GRCh38, 1-based): chr16:89,805,369, C>G on the plus strand (G>C on the coding strand, the complement: FANCA is on the minus strand). VCF-style: chr16-89805369-C-G. GRCh37 (hg19) VCF-style: chr16-89871777-C-G.
Other names: c.620G>C, p.Gly207Ala (NM_001018112.3, NM_001286167.3); c.524G>C, p.Gly175Ala (NM_001351830.2); c.620G>C (NM_000135.3); short protein forms G207A, G175A.
Identifiers: ClinVar variation 1517871 (VCV001517871.10), dbSNP rs1432895332, ClinGen allele CA397478164.

ClinVar aggregate classification (germline): Uncertain significance. Review status: criteria provided, multiple submitters, no conflicts (2 of 4 stars). 3 submissions from 3 submitters: Uncertain significance (3). Last evaluated 2026-01-13.

Conditions:
Fanconi anemia (FA). Also called: Fanconi's anemia. Identifiers: Orphanet 84, MedGen C0015625, MeSH D005199, MONDO:0019391.
Fanconi anemia complementation group A (FANCA). Also called: FANCA-Related Fanconi Anemia; Fanconi anemia, group A. Identifiers: Orphanet 84, MedGen C3469521, MONDO:0009215, OMIM 227650.

Allele frequency attached by ClinVar (database versions not stated): gnomAD 0.00002; gnomAD exomes 0.00002.
gnomAD v4.1: 9 of 1,613,904 alleles (0.00056%); highest among the groups gnomAD compares: Admixed American, 0.015%; no homozygotes.

Submissions (3):

Labcorp Genetics (formerly Invitae), Labcorp
Classification: Uncertain significance for Fanconi anemia. Last evaluated: 2026-01-13. Review status: criteria provided, single submitter. Criteria: Invitae Variant Classification Sherloc (09022015). Collection method: clinical testing. Allele origin: germline.
Comment: This sequence change replaces glycine, which is neutral and non-polar, with alanine, which is neutral and non-polar, at codon 207 of the FANCA protein (p.Gly207Ala). This variant is present in population databases (no rsID available, gnomAD 0.02%). This variant has not been reported in the literature in individuals affected with FANCA-related conditions. ClinVar contains an entry for this variant (Variation ID: 1517871). Invitae Evidence Modeling of protein sequence and biophysical properties (such as structural, functional, and spatial information, amino acid conservation, physicochemical variation, residue mobility, and thermodynamic stability) indicates that this missense variant is not expected to disrupt FANCA protein function with a negative predictive value of 95%. In summary, the available evidence is currently insufficient to determine the role of this variant in disease. Therefore, it has been classified as a Variant of Uncertain Significance.

Quest Diagnostics Nichols Institute San Juan Capistrano
Classification: Uncertain significance. Last evaluated: 2024-10-17. Review status: criteria provided, single submitter. Criteria: Quest Diagnostics criteria. Collection method: clinical testing. Allele origin: unknown.
Comment: The FANCA c.620G>C (p.Gly207Ala) variant has not been reported in individuals with FANCA-related conditions in the published literature. The frequency of this variant in the general population, 0.00014 (5/34568 chromosomes (Genome Aggregation Database)), is uninformative in the assessment of its pathogenicity. Analysis of this variant using bioinformatics tools for the prediction of the effect of amino acid changes on protein structure and function yielded predictions that this variant is benign. Based on the available information, we are unable to determine the clinical significance of this variant.

Fulgent Genetics
Classification: Uncertain significance for Fanconi anemia complementation group A. Last evaluated: 2024-02-05. Review status: criteria provided, single submitter. Criteria: ACMG Guidelines, 2015. Collection method: clinical testing. Allele origin: germline.